The following is an entry in ClinVar:

ClinVar aggregate classification (germline): Likely benign. Review status: criteria provided, multiple submitters, no conflicts (2 of 4 stars). 3 submissions from 3 submitters: Likely benign (3). Last evaluated 2026-02-01.

Conditions:
RYR1-related disorder. Also called: RYR1-related condition; RYR1-related disorders. Identifiers: MedGen CN239331.
Malignant hyperthermia, susceptibility to, 1 (MHS1). Also called: Anesthesia related hyperthermia; Malignant hyperpyrexia; Fulminating hyperpyrexia; Pharmacogenic myopathy; RYR1-Related Malignant Hyperthermia Susceptibility; Malignant hyperthermia suceptibility 1. Identifiers: Orphanet 423, MedGen C2930980, MONDO:0007783, OMIM 145600.

Allele frequency attached by ClinVar (database versions not stated): gnomAD 0.00001; ExAC 0.00004; TOPMed 0.00006.
gnomAD v4.1: 29 of 1,614,050 alleles (0.0018%); highest among the groups gnomAD compares: Admixed American, 0.047%; no homozygotes.

Submissions (3):

Labcorp Genetics (formerly Invitae), Labcorp
Classification: Likely benign for RYR1-related disorder. Last evaluated: 2026-02-01. Review status: criteria provided, single submitter. Criteria: Invitae Variant Classification Sherloc (09022015). Collection method: clinical testing. Allele origin: germline.

All of Us Research Program, National Institutes of Health
Classification: Likely benign for Malignant hyperthermia, susceptibility to, 1. Last evaluated: 2023-12-01. Review status: criteria provided, single submitter. Criteria: ACMG Guidelines, 2015. Collection method: clinical testing. Allele origin: germline. Inheritance: Autosomal dominant inheritance. Observed: 14 variant alleles, 14 heterozygotes.
Comment: This study involves interpretation of variants in research participants for the purpose of population health screening. Participant phenotype was not available at the time of variant classification. Additional details can be found in publication PMID: 35346344, PMCID: PMC8962531

Color Diagnostics, LLC DBA Color Health
Classification: Likely benign for Malignant hyperthermia, susceptibility to, 1. Last evaluated: 2022-11-06. Review status: criteria provided, single submitter. Criteria: ACMG Guidelines, 2015. Collection method: clinical testing. Allele origin: germline.

NM_000540.3(RYR1):c.8082G>A (p.Glu2694=)

Gene: RYR1 (ryanodine receptor 1; plus strand). Cytogenetic location: 19q13.2.
Variant type: single nucleotide variant.
Coding change: c.8082G>A on transcript NM_000540.3 (MANE Select); coding-DNA position 8082, G replaced by A.
Protein change: p.Glu2694=; no amino-acid change (glutamic acid 2694 retained).
Molecular consequence: synonymous variant.
Genome position (GRCh38, 1-based): chr19:38,504,762, G>A. VCF-style: chr19-38504762-G-A. GRCh37 (hg19) VCF-style: chr19-38995402-G-A.
Other names: c.8082G>A, p.Glu2694= (NM_001042723.2).
Identifiers: ClinVar variation 329076 (VCV000329076.16), dbSNP rs745619519, ClinGen allele CA071465.